The following is an entry in ClinVar:

NM_000051.4(ATM):c.6983C>A (p.Pro2328His)

Genes: C11orf65 (chromosome 11 open reading frame 65; minus strand), ATM (ATM serine/threonine kinase; plus strand). Cytogenetic location: 11q22.3.
Variant type: single nucleotide variant.
Coding change: c.6983C>A on transcript NM_000051.4 (MANE Select); coding-DNA position 6983, C replaced by A.
Protein change: p.Pro2328His; replaces proline 2328 with histidine.
Molecular consequence: missense variant. On other transcripts: intron variant (2).
Genome position (GRCh38, 1-based): chr11:108,327,652, C>A. VCF-style: chr11-108327652-C-A. GRCh37 (hg19) VCF-style: chr11-108198379-C-A.
Other names: c.6983C>A, p.Pro2328His (NM_001351834.2); c.641-18581G>T (NM_001330368.2); c.*38+7568G>T (NM_001351110.2); short protein forms P2328H.
Identifiers: ClinVar variation 3802203 (VCV003802203.1).

ClinVar aggregate classification (germline): Uncertain significance (1 of 4 stars; one submission).

Conditions:
Hereditary cancer-predisposing syndrome. Also called: Neoplastic Syndromes, Hereditary; Tumor predisposition; Hereditary Cancer Syndrome; Hereditary neoplastic syndrome. Identifiers: Orphanet 140162, MedGen C0027672, MeSH D009386, MONDO:0015356.

Submission:

Ambry Genetics
Classification: Uncertain significance for Hereditary cancer-predisposing syndrome. Last evaluated: 2025-01-24. Review status: criteria provided, single submitter. Criteria: Ambry Variant Classification Scheme 2023. Collection method: clinical testing. Allele origin: germline.
Comment: The p.P2328H variant (also known as c.6983C>A), located in coding exon 47 of the ATM gene, results from a C to A substitution at nucleotide position 6983. The proline at codon 2328 is replaced by histidine, an amino acid with similar properties. This amino acid position is conserved. In addition, this alteration is predicted to be tolerated by in silico analysis. Based on the available evidence, the clinical significance of this variant remains unclear.